The following is an entry in ClinVar:

ClinVar aggregate classification (germline): Uncertain significance (1 of 4 stars; one submission).

Conditions:
Autosomal recessive osteopetrosis 7. Identifiers: Orphanet 178389, MedGen C2676766, MONDO:0012859, OMIM 612301.

Submission:

Kasturba Medical College, Manipal, Kasturba Medical College, Manipal, Manipal Academy of Higher Education, Manipal, India
Classification: Uncertain significance for Autosomal recessive osteopetrosis 7. Last evaluated: 2026-02-19. Review status: criteria provided, single submitter. Criteria: ACMG Guidelines, 2015. Collection method: research. Allele origin: paternal. Inheritance: Autosomal recessive inheritance. Affected: yes. Observed: 1 heterozygote.
Comment: Sanger validation and segregation analysis was carried out for these variants in proband and parents. The variant was absent in homozygous and heterozygous state in our in-house data of 4007 exomes as well as gnomAD database (v4.1.0). For the intronic variant c.76-19A>C, SpliceAI predicts (delta score of 0.81 for acceptor loss) splicing defect which may either trigger nonsense-mediated mRNA decay or result in a truncated protein product. The clinical findings observed in the proband are in concordance with osteopetrosis, autosomal recessive 7.

NM_003839.4(TNFRSF11A):c.76-19A>C

Gene: TNFRSF11A (TNF receptor superfamily member 11a; plus strand). Cytogenetic location: 18q21.33.
Variant type: single nucleotide variant.
Coding change: c.76-19A>C on transcript NM_003839.4 (MANE Select); 19 bases into the intron before coding-DNA position 76, A replaced by C.
Molecular consequence: intron variant.
Genome position (GRCh38, 1-based): chr18:62,348,149, A>C. VCF-style: chr18-62348149-A-C. GRCh37 (hg19) VCF-style: chr18-60015382-A-C.
Other names: c.76-19A>C (NM_001270949.2, NM_001270950.2, NM_001270951.2 and 1 more transcripts).
Identifiers: ClinVar variation 4812936 (VCV004812936.1).
Genomic context (GRCh38, chr18:62,348,149, plus strand): 5'-TGATTCCCTTTTTGTTTTACCTAGTTTTATCCAGAAAGAGCTGTGTGGACTCTCTGCCTG[A>C]CCTCAGTGTTCTTTTCAGGTGGCTTTGCAGATCGCTCCTCCATGTACCAGTGAGAAGCAT-3'